The following is an entry in ClinVar:

NM_001943.5(DSG2):c.187G>C (p.Asp63His)

Gene: DSG2 (desmoglein 2; plus strand). Cytogenetic location: 18q12.1.
Variant type: single nucleotide variant.
Coding change: c.187G>C on transcript NM_001943.5 (MANE Select); coding-DNA position 187, G replaced by C.
Protein change: p.Asp63His; replaces aspartic acid 63 with histidine.
Molecular consequence: missense variant.
Genome position (GRCh38, 1-based): chr18:31,519,908, G>C. VCF-style: chr18-31519908-G-C. GRCh37 (hg19) VCF-style: chr18-29099871-G-C.
Other names: short protein forms D63H.
Identifiers: ClinVar variation 4686528 (VCV004686528.1).

ClinVar aggregate classification (germline): Uncertain significance (1 of 4 stars; one submission).

Submission:

GeneDx
Classification: Uncertain significance. Last evaluated: 2025-07-18. Review status: criteria provided, single submitter. Criteria: GeneDx Variant Classification Process June 2021. Collection method: clinical testing. Allele origin: germline. Affected: yes.
Comment: Not observed at significant frequency in large population cohorts (gnomAD); In silico analysis supports that this missense variant has a deleterious effect on protein structure/function; Has not been previously published as pathogenic or benign to our knowledge